The following is an entry in ClinVar:

NM_000077.5(CDKN2A):c.458-12T>C

Gene: CDKN2A (cyclin dependent kinase inhibitor 2A; minus strand). Cytogenetic location: 9p21.3.
Variant type: single nucleotide variant.
Coding change: c.458-12T>C on transcript NM_000077.5 (MANE Select); 12 bases into the intron before coding-DNA position 458, T replaced by C.
Molecular consequence: intron variant.
Genome position (GRCh38, 1-based): chr9:21,968,254, A>G on the plus strand (T>C on the coding strand, the complement: CDKN2A is on the minus strand). VCF-style: chr9-21968254-A-G. GRCh37 (hg19) VCF-style: chr9-21968253-A-G.
Other names: c.305-12T>C (NM_001363763.2); c.*102-12T>C (NM_058195.4); c.*151-12T>C (NM_001195132.2); c.*381-12T>C (NM_058197.5).
Identifiers: ClinVar variation 1627091 (VCV001627091.10), dbSNP rs983505944, ClinGen allele CA190727976.
Genomic context (GRCh38, chr9:21,968,254, plus strand): 5'-GTTTCCCGAGGTTTCTCAGAGCCTCTCTGGTTCTTTCAATCGGGGATGTCTGCAGAGGGC[A>G]GAAAGAAAACAGGCGTTAGAAACCTGAGGTCAAAGATGTGTGGCACATCCCGCCCTCCTC-3'

ClinVar aggregate classification (germline): Likely benign. Review status: criteria provided, multiple submitters, no conflicts (2 of 4 stars). 3 submissions from 3 submitters: Likely benign (3). Last evaluated 2026-01-24.

Conditions:
Melanoma-pancreatic cancer syndrome. Identifiers: Orphanet 404560, MedGen C1838547, MONDO:0011713, OMIM 606719. Disease mechanism: loss of function.
Familial melanoma. Also called: Hereditary melanoma; Hereditary cutaneous melanoma. Identifiers: Orphanet 618, MedGen C1512419, MONDO:0018961.
Hereditary cancer-predisposing syndrome. Also called: Neoplastic Syndromes, Hereditary; Tumor predisposition; Hereditary Cancer Syndrome; Hereditary neoplastic syndrome. Identifiers: Orphanet 140162, MedGen C0027672, MeSH D009386, MONDO:0015356.

Allele frequency attached by ClinVar (database versions not stated): TOPMed 0.00001.
gnomAD v4.1: 3 of 1,613,994 alleles (0.00019%); highest among the groups gnomAD compares: African/African-American, 0.0027%; no homozygotes.

Submissions (3):

Labcorp Genetics (formerly Invitae), Labcorp
Classification: Likely benign for Familial melanoma. Last evaluated: 2026-01-24. Review status: criteria provided, single submitter. Criteria: Invitae Variant Classification Sherloc (09022015). Collection method: clinical testing. Allele origin: germline.

Myriad Genetics, Inc.
Classification: Likely benign for Melanoma-pancreatic cancer syndrome. Last evaluated: 2025-08-18. Review status: criteria provided, single submitter. Criteria: Myriad Autosomal Dominant, Autosomal Recessive and X-Linked Classification Criteria (2023). Collection method: clinical testing. Allele origin: unknown.
Comment: This variant is considered likely benign. This variant is intronic and is not expected to impact mRNA splicing.

Color Diagnostics, LLC DBA Color Health
Classification: Likely benign for Hereditary cancer-predisposing syndrome. Last evaluated: 2019-11-25. Review status: criteria provided, single submitter. Criteria: ACMG Guidelines, 2015. Collection method: clinical testing. Allele origin: germline.